The following is an entry in ClinVar:

NM_001126108.2(SLC12A3):c.1825+1G>A

Gene: SLC12A3 (solute carrier family 12 member 3; plus strand). Cytogenetic location: 16q13.
Variant type: single nucleotide variant.
Coding change: c.1825+1G>A on transcript NM_001126108.2 (MANE Select); the canonical splice donor site of the intron after coding-DNA position 1825, G replaced by A.
Molecular consequence: splice donor variant.
Genome position (GRCh38, 1-based): chr16:56,884,205, G>A. VCF-style: chr16-56884205-G-A. GRCh37 (hg19) VCF-style: chr16-56918117-G-A.
Other names: c.1825+1G>A (NM_000339.3); c.1822+1G>A (NM_001126107.2, NM_001410896.1).
Identifiers: ClinVar variation 2832468 (VCV002832468.3), dbSNP rs2543515886, ClinGen allele CA395991131.

ClinVar aggregate classification (germline): Likely pathogenic (1 of 4 stars; one submission).

Submission:

Labcorp Genetics (formerly Invitae), Labcorp
Classification: Likely pathogenic. Last evaluated: 2023-02-04. Review status: criteria provided, single submitter. Criteria: Invitae Variant Classification Sherloc (09022015). Collection method: clinical testing. Allele origin: germline.
Comment: In summary, the currently available evidence indicates that the variant is pathogenic, but additional data are needed to prove that conclusively. Therefore, this variant has been classified as Likely Pathogenic. Algorithms developed to predict the effect of sequence changes on RNA splicing suggest that this variant may disrupt the consensus splice site. Disruption of this splice site has been observed in individual(s) with Gitelman syndrome (PMID: 23328711). This variant is not present in population databases (gnomAD no frequency). This sequence change affects a donor splice site in intron 14 of the SLC12A3 gene. It is expected to disrupt RNA splicing. Variants that disrupt the donor or acceptor splice site typically lead to a loss of protein function (PMID: 16199547), and loss-of-function variants in SLC12A3 are known to be pathogenic (PMID: 20848653, 22009145, 25841442).

Literature cited by the submitters: PubMed 23328711; PubMed 16199547; PubMed 20848653; PubMed 22009145; PubMed 25841442.